The following is an entry in ClinVar:

ClinVar aggregate classification (germline): Uncertain significance (1 of 4 stars; one submission).

Conditions:
Hereditary cancer-predisposing syndrome. Also called: Tumor predisposition; Hereditary Cancer Syndrome; Hereditary neoplastic syndrome; Neoplastic Syndromes, Hereditary. Identifiers: Orphanet 140162, MedGen C0027672, MeSH D009386, MONDO:0015356.

Submission:

Ambry Genetics
Classification: Uncertain significance for Hereditary cancer-predisposing syndrome. Last evaluated: 2025-10-23. Review status: criteria provided, single submitter. Criteria: Ambry Variant Classification Scheme 2023. Collection method: clinical testing. Allele origin: germline.
Comment: The p.G581R variant (also known as c.1741G>C), located in coding exon 18 of the RB1 gene, results from a G to C substitution at nucleotide position 1741. The glycine at codon 581 is replaced by arginine, an amino acid with dissimilar properties. This amino acid position is conserved. In addition, this alteration is predicted to be deleterious by in silico analysis. Based on the available evidence, the clinical significance of this variant remains unclear.

NM_000321.3(RB1):c.1741G>C (p.Gly581Arg)

Gene: RB1 (RB transcriptional corepressor 1; plus strand). Cytogenetic location: 13q14.2.
Variant type: single nucleotide variant.
Coding change: c.1741G>C on transcript NM_000321.3 (MANE Select); coding-DNA position 1741, G replaced by C.
Protein change: p.Gly581Arg; replaces glycine 581 with arginine.
Molecular consequence: missense variant.
Genome position (GRCh38, 1-based): chr13:48,453,038, G>C. VCF-style: chr13-48453038-G-C. GRCh37 (hg19) VCF-style: chr13-49027174-G-C.
Other names: c.1741G>C, p.Gly581Arg (NM_001407165.1); short protein forms G581R.
Identifiers: ClinVar variation 4544062 (VCV004544062.1).